The following is an entry in ClinVar:

ClinVar aggregate classification (germline): Uncertain significance (1 of 4 stars; one submission).

Allele frequency attached by ClinVar (database versions not stated): gnomAD 0.00001; TOPMed 0.00001.
gnomAD v4.1: 10 of 1,550,342 alleles (0.00065%); highest among the groups gnomAD compares: Non-Finnish European, 0.00078%; no homozygotes.

Submission:

Labcorp Genetics (formerly Invitae), Labcorp
Classification: Uncertain significance. Last evaluated: 2025-03-17. Review status: criteria provided, single submitter. Criteria: Invitae Variant Classification Sherloc (09022015). Collection method: clinical testing. Allele origin: germline.
Comment: This sequence change replaces threonine, which is neutral and polar, with isoleucine, which is neutral and non-polar, at codon 620 of the PDZD7 protein (p.Thr620Ile). This variant is present in population databases (no rsID available, gnomAD no frequency). This variant has not been reported in the literature in individuals affected with PDZD7-related conditions. ClinVar contains an entry for this variant (Variation ID: 859640). Invitae Evidence Modeling of protein sequence and biophysical properties (such as structural, functional, and spatial information, amino acid conservation, physicochemical variation, residue mobility, and thermodynamic stability) indicates that this missense variant is not expected to disrupt PDZD7 protein function with a negative predictive value of 80%. In summary, the available evidence is currently insufficient to determine the role of this variant in disease. Therefore, it has been classified as a Variant of Uncertain Significance.

NM_001195263.2(PDZD7):c.1859C>T (p.Thr620Ile)

Gene: PDZD7 (PDZ domain containing 7; minus strand). Cytogenetic location: 10q24.31.
Variant type: single nucleotide variant.
Coding change: c.1859C>T on transcript NM_001195263.2 (MANE Select); coding-DNA position 1859, C replaced by T.
Protein change: p.Thr620Ile; replaces threonine 620 with isoleucine.
Molecular consequence: missense variant.
Genome position (GRCh38, 1-based): chr10:101,011,999, G>A on the plus strand (C>T on the coding strand, the complement: PDZD7 is on the minus strand). VCF-style: chr10-101011999-G-A. GRCh37 (hg19) VCF-style: chr10-102771756-G-A.
Other names: short protein forms T620I.
Identifiers: ClinVar variation 859640 (VCV000859640.9), dbSNP rs1356922296, ClinGen allele CA378226358.